The following is an entry in ClinVar:

NM_001875.5(CPS1):c.1837-8A>G

Gene: CPS1 (carbamoyl-phosphate synthase 1; plus strand). Cytogenetic location: 2q34.
Variant type: single nucleotide variant.
Coding change: c.1837-8A>G on transcript NM_001875.5 (MANE Select); 8 bases into the intron before coding-DNA position 1837, A replaced by G.
Molecular consequence: intron variant.
Genome position (GRCh38, 1-based): chr2:210,605,094, A>G. VCF-style: chr2-210605094-A-G. GRCh37 (hg19) VCF-style: chr2-211469818-A-G.
Other names: c.1837-8A>G (LRG_336t1, NM_001369257.1, NM_001122633.3); c.1870-8A>G (NM_001369256.1).
Identifiers: ClinVar variation 558118 (VCV000558118.12), dbSNP rs1290474919, ClinGen allele CA658822048.

ClinVar aggregate classification (germline): Pathogenic/Likely pathogenic. Review status: criteria provided, multiple submitters, no conflicts (2 of 4 stars). 5 submissions from 5 submitters: Pathogenic (1); Likely pathogenic (3). 1 of the submissions does not count toward it. Last evaluated 2025-08-05.

Conditions:
Pulmonary hypertension, neonatal, susceptibility to (PHN). Identifiers: MedGen C3714958, MONDO:0014151, OMIM 615371.
Congenital hyperammonemia, type I. Also called: Carbamoyl-phosphate synthase I deficiency; CPS I DEFICIENCY; Carbamoyl phosphate synthetase I deficiency disease; Carbamoyl phosphate synthetase 1 deficiency; Hyperammonemia due to carbamoyl phosphate synthetase 1 deficiency; CPS 1 deficiency. Identifiers: Orphanet 147, MedGen C4082171, MONDO:0009376, OMIM 237300.

Allele frequency attached by ClinVar (database versions not stated): TOPMed below 0.00001; gnomAD 0.00001; gnomAD exomes 0.00001.
gnomAD v4.1: 9 of 1,611,582 alleles (0.00056%); highest among the groups gnomAD compares: Non-Finnish European, 0.00076%; no homozygotes.

Submissions (5):

Labcorp Genetics (formerly Invitae), Labcorp
Classification: Likely pathogenic for Congenital hyperammonemia, type I. Last evaluated: 2025-08-05. Review status: criteria provided, single submitter. Criteria: Invitae Variant Classification Sherloc (09022015). Collection method: clinical testing. Allele origin: germline.
Comment: This sequence change falls in intron 16 of the CPS1 gene. It does not directly change the encoded amino acid sequence of the CPS1 protein. RNA analysis indicates that this variant induces altered splicing and may result in an absent or altered protein product. This variant is not present in population databases (gnomAD no frequency). This variant has been observed in individuals with CPS1 deficiency (PMID: 16737834, 28526534, 32154057, 33309754). ClinVar contains an entry for this variant (Variation ID: 558118). Studies have shown that this variant results in retention of part of intron 16, and produces a non-functional protein and/or introduces a premature termination codon (PMID: 16737834, 32154057). In summary, the currently available evidence indicates that the variant is pathogenic, but additional data are needed to prove that conclusively. Therefore, this variant has been classified as Likely Pathogenic.

Natera, Inc.
Classification: Likely pathogenic for Carbamoyl-phosphate synthase I deficiency. Last evaluated: 2025-04-17. Review status: criteria provided, single submitter. Criteria: Natera Variant Classification Schema (03/2026). Collection method: clinical testing. Allele origin: germline.
Comment: The c.1837-8A>G variant in CPS1 is an intronic variant located outside the canonical splice sites. This variant is rare in the general population with a frequency below the threshold expected for the associated phenotype(s). This variant has been observed in one or more individuals affected with the associated recessive disease, as either homozygous or compound heterozygous with a second variant (PMID: 16737834, 38582244, 33309754). Functional studies show that this variant may disrupt protein function (PMID: 33309754). Computational prediction algorithms indicate this variant is likely to affect gene or protein function. Given the available evidence, this variant is classified as Likely Pathogenic.

Fulgent Genetics
Classification: Likely pathogenic for Congenital hyperammonemia, type I; Pulmonary hypertension, neonatal, susceptibility to. Last evaluated: 2024-04-01. Review status: criteria provided, single submitter. Criteria: ACMG Guidelines, 2015. Collection method: clinical testing. Allele origin: germline.

Baylor Genetics
Classification: Pathogenic for Pulmonary hypertension, neonatal, susceptibility to. Last evaluated: 2024-03-07. Review status: criteria provided, single submitter. Criteria: ACMG Guidelines, 2015. Collection method: clinical testing. Allele origin: unknown.

Counsyl
Classification: Uncertain significance for Congenital hyperammonemia, type I. Last evaluated: 2018-04-27. Review status: no assertion criteria provided. Collection method: clinical testing. Allele origin: unknown. Not counted in ClinVar's aggregate classification.

Literature cited by the submitters: PubMed 16737834 (cited by 3 submitters); PubMed 28526534 (cited by Labcorp Genetics (formerly Invitae), Labcorp); PubMed 32154057 (cited by Labcorp Genetics (formerly Invitae), Labcorp); PubMed 33309754 (cited by Labcorp Genetics (formerly Invitae), Labcorp and Natera, Inc.); PubMed 38582244 (cited by Natera, Inc.); PubMed 27290639 (cited by Counsyl).